The following is an entry in ClinVar:

NM_025179.4(PLXNA2):c.2857-5C>T

Gene: PLXNA2 (plexin A2; minus strand). Cytogenetic location: 1q32.2.
Variant type: single nucleotide variant.
Coding change: c.2857-5C>T on transcript NM_025179.4 (MANE Select); 5 bases into the intron before coding-DNA position 2857, C replaced by T.
Molecular consequence: intron variant.
Genome position (GRCh38, 1-based): chr1:208,052,468, G>A on the plus strand (C>T on the coding strand, the complement: PLXNA2 is on the minus strand). VCF-style: chr1-208052468-G-A. GRCh37 (hg19) VCF-style: chr1-208225813-G-A.
Identifiers: ClinVar variation 725096 (VCV000725096.10), dbSNP rs545108193, ClinGen allele CA1373370.
Genomic context (GRCh38, chr1:208,052,468, plus strand): 5'-ATAGTGCCTCCTGACTCGGGACCTCGGATTGGGTTGAGTGACAGCACAGAAGGGTTCTTT[G>A]GAAAGAAGCAGAGAAATGACTACAGCTTAGGTTTTCTCCAAAAGGATGGACCATGGTTAG-3'

ClinVar aggregate classification (germline): Likely benign. Review status: criteria provided, single submitter (1 of 4 stars). 2 submissions from 2 submitters: Likely benign (1). 1 of the submissions does not count toward it. Last evaluated 2025-04-22.

Conditions:
PLXNA2-related disorder. Also called: PLXNA2-related condition.

Allele frequency attached by ClinVar (database versions not stated): gnomAD exomes below 0.00001 and 0.00002; ExAC 0.00001; gnomAD 0.00001 and 0.00002; TOPMed 0.00005.
gnomAD v4.1: 6 of 1,613,894 alleles (0.00037%); highest among the groups gnomAD compares: Admixed American, 0.01%; no homozygotes.

Submissions (2):

Labcorp Genetics (formerly Invitae), Labcorp
Classification: Likely benign. Last evaluated: 2025-04-22. Review status: criteria provided, single submitter. Criteria: Invitae Variant Classification Sherloc (09022015). Collection method: clinical testing. Allele origin: germline.

PreventionGenetics, part of Exact Sciences
Classification: Likely benign for PLXNA2-related condition. Last evaluated: 2022-07-06. Review status: no assertion criteria provided. Collection method: clinical testing. Allele origin: germline. Not counted in ClinVar's aggregate classification.
Comment: This variant is classified as likely benign based on ACMG/AMP sequence variant interpretation guidelines (Richards et al. 2015 PMID: 25741868, with internal and published modifications).